The following is an entry in ClinVar:

NM_005612.5(REST):c.2996C>G (p.Ala999Gly)

Gene: REST (RE1 silencing transcription factor; plus strand). Cytogenetic location: 4q12.
Variant type: single nucleotide variant.
Coding change: c.2996C>G on transcript NM_005612.5 (MANE Select); coding-DNA position 2996, C replaced by G.
Protein change: p.Ala999Gly; replaces alanine 999 with glycine.
Molecular consequence: missense variant.
Genome position (GRCh38, 1-based): chr4:56,931,854, C>G. VCF-style: chr4-56931854-C-G. GRCh37 (hg19) VCF-style: chr4-57798020-C-G.
Other names: c.2996C>G, p.Ala999Gly (NM_001193508.2, NM_001363453.3); short protein forms A999G.
Identifiers: ClinVar variation 1025752 (VCV001025752.6), dbSNP rs1720989470, ClinGen allele CA357009970.

ClinVar aggregate classification (germline): Uncertain significance (1 of 4 stars; one submission).

Submission:

Labcorp Genetics (formerly Invitae), Labcorp
Classification: Uncertain significance. Last evaluated: 2024-04-11. Review status: criteria provided, single submitter. Criteria: Invitae Variant Classification Sherloc (09022015). Collection method: clinical testing. Allele origin: germline.
Comment: This sequence change replaces alanine, which is neutral and non-polar, with glycine, which is neutral and non-polar, at codon 999 of the REST protein (p.Ala999Gly). This variant is not present in population databases (gnomAD no frequency). This variant has not been reported in the literature in individuals affected with REST-related conditions. ClinVar contains an entry for this variant (Variation ID: 1025752). Algorithms developed to predict the effect of missense changes on protein structure and function output the following: SIFT: "Not Available"; PolyPhen-2: "Benign"; Align-GVGD: "Not Available". The glycine amino acid residue is found in multiple mammalian species, which suggests that this missense change does not adversely affect protein function. In summary, the available evidence is currently insufficient to determine the role of this variant in disease. Therefore, it has been classified as a Variant of Uncertain Significance.